The following is an entry in ClinVar:

ClinVar aggregate classification (germline): Likely benign (1 of 4 stars; one submission).

Conditions:
Bardet-Biedl syndrome 4 (BBS4). Identifiers: Orphanet 110, MedGen C2936864, MONDO:0014433, OMIM 615982.

Allele frequency attached by ClinVar (database versions not stated): gnomAD 0.00074 and 0.00095; TOPMed 0.00085; 1000 Genomes Project 0.00220; gnomAD exomes 0.00261 and 0.00267; 1000 Genomes Project 30x 0.00297; ExAC 0.00819.
gnomAD v4.1: 927 of 453,954 alleles (0.2%); highest among the groups gnomAD compares: South Asian, 0.81%; 13 homozygotes.

Submission:

Illumina Laboratory Services, Illumina
Classification: Likely benign for Bardet-Biedl syndrome 4. Last evaluated: 2018-01-12. Review status: criteria provided, single submitter. Criteria: ICSL Variant Classification Criteria 13 December 2019. Collection method: clinical testing. Allele origin: germline.
Comment: This variant was observed in the ICSL laboratory as part of a predisposition screen in an ostensibly healthy population. It had not been previously curated by ICSL or reported in the Human Gene Mutation Database (HGMD: prior to June 1st, 2018), and was therefore a candidate for classification through an automated scoring system. Utilizing variant allele frequency, disease prevalence and penetrance estimates, and inheritance mode, an automated score was calculated to assess if this variant is too frequent to cause the disease. Based on the score and internal cut-off values, a variant classified as likely benign is not then subjected to further curation. The score for this variant resulted in a classification of likely benign for this disease.

NM_033028.5(BBS4):c.*691G>A

Gene: BBS4 (Bardet-Biedl syndrome 4; plus strand). Cytogenetic location: 15q24.1.
Variant type: single nucleotide variant.
Coding change: c.*691G>A on transcript NM_033028.5 (MANE Select); 691 bases downstream of the stop codon, G replaced by A.
Molecular consequence: 3 prime UTR variant. On other transcripts: non-coding transcript variant (2).
Genome position (GRCh38, 1-based): chr15:72,738,278, G>A. VCF-style: chr15-72738278-G-A. GRCh37 (hg19) VCF-style: chr15-73030619-G-A.
Other names: c.*691G>A (NM_001252678.2, NM_001320665.2).
Identifiers: ClinVar variation 884626 (VCV000884626.4), dbSNP rs192812230, ClinGen allele CA7647122.